The following is an entry in ClinVar:

ClinVar aggregate classification (germline): Uncertain significance (1 of 4 stars; one submission).

Conditions:
Congenital myasthenic syndrome 8. Also called: Myasthenic syndrome, congenital, 8, with pre- and postsynaptic defects; MYASTHENIC SYNDROME, CONGENITAL, DUE TO AGRIN DEFICIENCY. Identifiers: Orphanet 590, MedGen C3808739, MONDO:0014052, OMIM 615120.

Allele frequency attached by ClinVar (database versions not stated): gnomAD exomes 0.00002 and 0.00006; gnomAD 0.00001; ESP Exome Variant Server 0.00008; TOPMed 0.00002; ExAC below 0.00001.
gnomAD v4.1: 89 of 1,573,436 alleles (0.0057%); highest among the groups gnomAD compares: Non-Finnish European, 0.0075%; no homozygotes.

Submission:

Labcorp Genetics (formerly Invitae), Labcorp
Classification: Uncertain significance for Congenital myasthenic syndrome 8. Last evaluated: 2023-12-22. Review status: criteria provided, single submitter. Criteria: Invitae Variant Classification Sherloc (09022015). Collection method: clinical testing. Allele origin: germline.
Comment: This sequence change replaces glycine, which is neutral and non-polar, with aspartic acid, which is acidic and polar, at codon 1767 of the AGRN protein (p.Gly1767Asp). This variant is present in population databases (rs143031281, gnomAD 0.006%). This variant has not been reported in the literature in individuals affected with AGRN-related conditions. ClinVar contains an entry for this variant (Variation ID: 863154). An algorithm developed to predict the effect of missense changes on protein structure and function (PolyPhen-2) suggests that this variant is likely to be disruptive. In summary, the available evidence is currently insufficient to determine the role of this variant in disease. Therefore, it has been classified as a Variant of Uncertain Significance.

NM_198576.4(AGRN):c.5300G>A (p.Gly1767Asp)

Gene: AGRN (agrin; plus strand). Cytogenetic location: 1p36.33.
Variant type: single nucleotide variant.
Coding change: c.5300G>A on transcript NM_198576.4 (MANE Select); coding-DNA position 5300, G replaced by A.
Protein change: p.Gly1767Asp; replaces glycine 1767 with aspartic acid.
Molecular consequence: missense variant.
Genome position (GRCh38, 1-based): chr1:1,051,299, G>A. VCF-style: chr1-1051299-G-A. GRCh37 (hg19) VCF-style: chr1-986679-G-A.
Other names: c.5312G>A, p.Gly1771Asp (NM_001305275.2); c.4997G>A, p.Gly1666Asp (NM_001364727.2); short protein forms G1666D, G1767D, G1771D.
Identifiers: ClinVar variation 863154 (VCV000863154.9), dbSNP rs143031281, ClinGen allele CA509980.